The following is an entry in ClinVar:

NM_003482.4(KMT2D):c.14612G>A (p.Ser4871Asn)

Gene: KMT2D (lysine methyltransferase 2D; minus strand). Cytogenetic location: 12q13.12.
Variant type: single nucleotide variant.
Coding change: c.14612G>A on transcript NM_003482.4 (MANE Select); coding-DNA position 14612, G replaced by A.
Protein change: p.Ser4871Asn; replaces serine 4871 with asparagine.
Molecular consequence: missense variant.
Genome position (GRCh38, 1-based): chr12:49,027,834, C>T on the plus strand (G>A on the coding strand, the complement: KMT2D is on the minus strand). VCF-style: chr12-49027834-C-T. GRCh37 (hg19) VCF-style: chr12-49421617-C-T.
Other names: short protein forms S4871N.
Identifiers: ClinVar variation 4997569 (VCV004997569.1).

ClinVar aggregate classification (germline): Uncertain significance (1 of 4 stars; one submission).

Conditions:
KMT2D-related disorder. Also called: KMT2D-Related Disorders.

Submission:

PreventionGenetics, part of Exact Sciences
Classification: Uncertain significance for KMT2D-related condition. Last evaluated: 2025-07-31. Review status: criteria provided, single submitter. Criteria: ACMG Guidelines, 2015. Collection method: clinical testing. Allele origin: germline.
Comment: The KMT2D c.14612G>A variant is predicted to result in the amino acid substitution p.Ser4871Asn. To our knowledge, this variant has not been reported in the literature or in a large population database (gnomAD), indicating this variant is rare. At this time, the clinical significance of this variant is uncertain due to the absence of conclusive functional and genetic evidence.